The following is an entry in ClinVar:

ClinVar aggregate classification (germline): Likely benign (1 of 4 stars; one submission).

Allele frequency attached by ClinVar (database versions not stated): ExAC 0.00002; 1000 Genomes Project 0.00080.

Submission:

CeGaT Center for Human Genetics Tuebingen
Classification: Likely benign. Last evaluated: 2024-05-01. Review status: criteria provided, single submitter. Criteria: CeGaT Center For Human Genetics Tuebingen Variant Classification Criteria Version 2. Collection method: clinical testing. Allele origin: germline. Affected: yes. Observed: 1 variant allele.
Comment: NEFH: BP4, BP7

NM_021076.4(NEFH):c.2241A>T (p.Pro747=)

Gene: NEFH (neurofilament heavy chain; plus strand). Cytogenetic location: 22q12.2.
Variant type: single nucleotide variant.
Coding change: c.2241A>T on transcript NM_021076.4 (MANE Select); coding-DNA position 2241, A replaced by T.
Protein change: p.Pro747=; no amino-acid change (proline 747 retained).
Molecular consequence: synonymous variant.
Genome position (GRCh38, 1-based): chr22:29,489,881, A>T. VCF-style: chr22-29489881-A-T. GRCh37 (hg19) VCF-style: chr22-29885870-A-T.
Identifiers: ClinVar variation 3238999 (VCV003238999.19), dbSNP rs546363585.